The following is an entry in ClinVar:

NM_021973.3(HAND2):c.283C>G (p.Pro95Ala)

Genes: HAND2 (heart and neural crest derivatives expressed 2; minus strand), HAND2-AS1 (HAND2 antisense RNA 1; plus strand). Cytogenetic location: 4q34.1.
Variant type: single nucleotide variant.
Coding change: c.283C>G on transcript NM_021973.3 (MANE Select); coding-DNA position 283, C replaced by G.
Protein change: p.Pro95Ala; replaces proline 95 with alanine.
Molecular consequence: missense variant.
Genome position (GRCh38, 1-based): chr4:173,529,007, G>C on the plus strand (C>G on the coding strand, the complement: HAND2 is on the minus strand). VCF-style: chr4-173529007-G-C. GRCh37 (hg19) VCF-style: chr4-174450158-G-C.
Other names: short protein forms P95A.
Identifiers: ClinVar variation 1975490 (VCV001975490.5), dbSNP rs75152023, ClinGen allele CA3141315.

ClinVar aggregate classification (germline): Uncertain significance (1 of 4 stars; one submission).

Allele frequency attached by ClinVar (database versions not stated): TOPMed below 0.00001; ExAC 0.00004.

Submission:

Labcorp Genetics (formerly Invitae), Labcorp
Classification: Uncertain significance. Last evaluated: 2022-08-22. Review status: criteria provided, single submitter. Criteria: Invitae Variant Classification Sherloc (09022015). Collection method: clinical testing. Allele origin: germline.
Comment: In summary, the available evidence is currently insufficient to determine the role of this variant in disease. Therefore, it has been classified as a Variant of Uncertain Significance. Algorithms developed to predict the effect of missense changes on protein structure and function (SIFT, PolyPhen-2, Align-GVGD) all suggest that this variant is likely to be tolerated. This variant has not been reported in the literature in individuals affected with HAND2-related conditions. This variant is present in population databases (rs75152023, gnomAD 0.01%). This sequence change replaces proline, which is neutral and non-polar, with alanine, which is neutral and non-polar, at codon 95 of the HAND2 protein (p.Pro95Ala).